The following is an entry in ClinVar:

NM_021625.5(TRPV4):c.2290G>A (p.Val764Met)

Gene: TRPV4 (transient receptor potential cation channel subfamily V member 4; minus strand). Cytogenetic location: 12q24.11.
Variant type: single nucleotide variant.
Coding change: c.2290G>A on transcript NM_021625.5 (MANE Select); coding-DNA position 2290, G replaced by A.
Protein change: p.Val764Met; replaces valine 764 with methionine.
Molecular consequence: missense variant.
Genome position (GRCh38, 1-based): chr12:109,786,756, C>T on the plus strand (G>A on the coding strand, the complement: TRPV4 is on the minus strand). VCF-style: chr12-109786756-C-T. GRCh37 (hg19) VCF-style: chr12-110224561-C-T.
Other names: c.2149G>A, p.Val717Met (NM_001177428.2); c.2188G>A, p.Val730Met (NM_001177431.2); c.1969G>A, p.Val657Met (NM_001177433.2); c.2110G>A, p.Val704Met (NM_147204.3); short protein forms V764M, V657M, V717M, V704M, V730M.
Identifiers: ClinVar variation 1352321 (VCV001352321.6), dbSNP rs750416252, ClinGen allele CA243496368.

ClinVar aggregate classification (germline): Uncertain significance (1 of 4 stars; one submission).

Conditions:
Charcot-Marie-Tooth disease axonal type 2C (HMSN2C). Also called: CHARCOT-MARIE-TOOTH DISEASE, AXONAL, AUTOSOMAL DOMINANT, TYPE 2C; Charcot-Marie-Tooth Neuropathy Type 2C; Charcot-Marie-Tooth Disease Type 2, TRPV4-Related (CMT2C). Identifiers: Orphanet 99937, MedGen C1853710, MONDO:0011633, OMIM 606071.

gnomAD v4.1: 5 of 1,613,902 alleles (0.00031%); highest among the groups gnomAD compares: South Asian, 0.0011%; no homozygotes.

Submission:

Labcorp Genetics (formerly Invitae), Labcorp
Classification: Uncertain significance for Charcot-Marie-Tooth disease axonal type 2C. Last evaluated: 2025-06-17. Review status: criteria provided, single submitter. Criteria: Invitae Variant Classification Sherloc (09022015). Collection method: clinical testing. Allele origin: germline.
Comment: This sequence change replaces valine, which is neutral and non-polar, with methionine, which is neutral and non-polar, at codon 764 of the TRPV4 protein (p.Val764Met). This variant is not present in population databases (gnomAD no frequency). This variant has not been reported in the literature in individuals affected with TRPV4-related conditions. ClinVar contains an entry for this variant (Variation ID: 1352321). Invitae Evidence Modeling of protein sequence and biophysical properties (such as structural, functional, and spatial information, amino acid conservation, physicochemical variation, residue mobility, and thermodynamic stability) has been performed for this missense variant. However, the output from this modeling did not meet the statistical confidence thresholds required to predict the impact of this variant on TRPV4 protein function. In summary, the available evidence is currently insufficient to determine the role of this variant in disease. Therefore, it has been classified as a Variant of Uncertain Significance.